The following is an entry in ClinVar:

NM_001114753.3(ENG):c.1429-1G>C

Genes: ENG (endoglin; minus strand), LOC102723566 (uncharacterized LOC102723566; plus strand). Cytogenetic location: 9q34.11.
Variant type: single nucleotide variant.
Coding change: c.1429-1G>C on transcript NM_001114753.3 (MANE Select); the canonical splice acceptor site of the intron before coding-DNA position 1429, G replaced by C.
Molecular consequence: splice acceptor variant. On other transcripts: non-coding transcript variant (1).
Genome position (GRCh38, 1-based): chr9:127,818,378, C>G on the plus strand (G>C on the coding strand, the complement: ENG is on the minus strand). VCF-style: chr9-127818378-C-G. GRCh37 (hg19) VCF-style: chr9-130580657-C-G.
Other names: c.1429-1G>C (NM_000118.4); c.883-1G>C (NM_001278138.2).
Identifiers: ClinVar variation 1459063 (VCV001459063.9), dbSNP rs2131876244, ClinGen allele CA374976256.

ClinVar aggregate classification (germline): Pathogenic (1 of 4 stars; one submission).

Conditions:
Hereditary hemorrhagic telangiectasia (HHT). Also called: ORW DISEASE; Osler Weber Rendu syndrome; OSLER-RENDU-WEBER DISEASE; Osler hemorrhagic telangiectasia syndrome. Identifiers: Orphanet 774, MedGen C0039445, MONDO:0019180. Disease mechanism: loss of function.

Submission:

Labcorp Genetics (formerly Invitae), Labcorp
Classification: Pathogenic for Hereditary hemorrhagic telangiectasia. Last evaluated: 2024-12-12. Review status: criteria provided, single submitter. Criteria: Invitae Variant Classification Sherloc (09022015). Collection method: clinical testing. Allele origin: germline.
Comment: This sequence change affects an acceptor splice site in intron 11 of the ENG gene. It is expected to disrupt RNA splicing. Variants that disrupt the donor or acceptor splice site typically lead to a loss of protein function (PMID: 16199547), and loss-of-function variants in ENG are known to be pathogenic (PMID: 15879500). This variant is not present in population databases (gnomAD no frequency). Disruption of this splice site has been observed in individuals with hereditary hemorrhagic telangiectasia (PMID: 15880681, 21158752). ClinVar contains an entry for this variant (Variation ID: 1459063). Algorithms developed to predict the effect of sequence changes on RNA splicing suggest that this variant may disrupt the consensus splice site. For these reasons, this variant has been classified as Pathogenic.

Literature cited by the submitters: PubMed 16199547; PubMed 15879500; PubMed 15880681; PubMed 21158752.